The following is an entry in ClinVar:

ClinVar aggregate classification (germline): Benign. Review status: criteria provided, multiple submitters, no conflicts (2 of 4 stars). 5 submissions from 5 submitters: Benign (5). Last evaluated 2026-01-07.

Conditions:
Pulmonary hypertension, primary, 2. Identifiers: Orphanet 422, MedGen C3888002, MONDO:0014134, OMIM 615342.

Allele frequency attached by ClinVar (database versions not stated): gnomAD exomes 0.00196; ExAC 0.00245; gnomAD 0.00695 and 0.00747; TOPMed 0.00793; 1000 Genomes Project 0.00799; 1000 Genomes Project 30x 0.00874; ESP Exome Variant Server 0.00938.
gnomAD v4.1: 2,158 of 1,614,132 alleles (0.13%); highest among the groups gnomAD compares: African/African-American, 2.3%; 19 homozygotes.

Submissions (5):

Labcorp Genetics (formerly Invitae), Labcorp
Classification: Benign for Pulmonary hypertension, primary, 2. Last evaluated: 2026-01-07. Review status: criteria provided, single submitter. Criteria: Invitae Variant Classification Sherloc (09022015). Collection method: clinical testing. Allele origin: germline.

ARUP Laboratories, Molecular Genetics and Genomics, ARUP Laboratories
Classification: Benign for Pulmonary hypertension, primary, 2. Last evaluated: 2020-12-11. Review status: criteria provided, single submitter. Criteria: ARUP Molecular Germline Variant Investigation Process 2021. Collection method: clinical testing. Allele origin: germline.

GeneDx
Classification: Benign. Last evaluated: 2020-04-01. Review status: criteria provided, single submitter. Criteria: GeneDx Variant Classification Process June 2021. Collection method: clinical testing. Allele origin: germline. Affected: yes.

Laboratory for Molecular Medicine, Mass General Brigham Personalized Medicine
Classification: Benign. Last evaluated: 2013-02-21. Review status: criteria provided, single submitter. Criteria: LMM Criteria. Collection method: clinical testing. Allele origin: germline. Observed: 1 variant allele.
Comment: Thr4Thr in exon 2 of SMAD9: This variant is not expected to have clinical signif icance because it does not alter an amino acid residue and is not located within the splice consensus sequence. It has been identified in 2.7% (120/4406) of Afr ican American chromosomes from a broad population by the NHLBI Exome Sequencing Project (dbSNP rs78237438).

Breakthrough Genomics
Classification: Benign. Review status: criteria provided, single submitter. Criteria: ACMG Guidelines, 2015. Collection method: not provided. Allele origin: germline. Inheritance: Autosomal dominant inheritance. Affected: yes.

NM_001127217.3(SMAD9):c.12C>T (p.Thr4=)

Gene: SMAD9 (SMAD family member 9; minus strand). Cytogenetic location: 13q13.3.
Variant type: single nucleotide variant.
Coding change: c.12C>T on transcript NM_001127217.3 (MANE Select); coding-DNA position 12, C replaced by T.
Protein change: p.Thr4=; no amino-acid change (threonine 4 retained).
Molecular consequence: synonymous variant.
Genome position (GRCh38, 1-based): chr13:36,879,678, G>A on the plus strand (C>T on the coding strand, the complement: SMAD9 is on the minus strand). VCF-style: chr13-36879678-G-A. GRCh37 (hg19) VCF-style: chr13-37453815-G-A.
Other names: c.12C>T, p.Thr4= (NM_001378621.1, NM_005905.6).
Identifiers: ClinVar variation 227076 (VCV000227076.26), dbSNP rs78237438, ClinGen allele CA6950669.